The following is an entry in ClinVar:

ClinVar aggregate classification (germline): Uncertain significance. Review status: criteria provided, multiple submitters, no conflicts (2 of 4 stars). 2 submissions from 2 submitters: Uncertain significance (2). Last evaluated 2022-03-18.

Conditions:
Duchenne muscular dystrophy (DMD). Also called: Duchenne Muscular Dystrophy (DMD); MUSCULAR DYSTROPHY, PSEUDOHYPERTROPHIC PROGRESSIVE, DUCHENNE TYPE. Identifiers: Orphanet 98896, MedGen C0013264, MONDO:0010679, OMIM 310200.

Submissions (2):

Labcorp Genetics (formerly Invitae), Labcorp
Classification: Uncertain significance for Duchenne muscular dystrophy. Last evaluated: 2022-03-18. Review status: criteria provided, single submitter. Criteria: Invitae Variant Classification Sherloc (09022015). Collection method: clinical testing. Allele origin: germline.
Comment: In summary, the available evidence is currently insufficient to determine the role of this variant in disease. Therefore, it has been classified as a Variant of Uncertain Significance. Algorithms developed to predict the effect of missense changes on protein structure and function (SIFT, PolyPhen-2, Align-GVGD) all suggest that this variant is likely to be disruptive. ClinVar contains an entry for this variant (Variation ID: 290923). This missense change has been observed in individual(s) with Becker muscular dystrophy (PMID: 25214167). This variant is not present in population databases (gnomAD no frequency). This sequence change replaces tryptophan, which is neutral and slightly polar, with arginine, which is basic and polar, at codon 118 of the DMD protein (p.Trp118Arg).

Eurofins Ntd Llc (ga)
Classification: Uncertain significance. Last evaluated: 2016-08-24. Review status: criteria provided, single submitter. Criteria: EGL Classification Definitions 2015. Collection method: clinical testing. Allele origin: germline. Observed: 1 variant allele, 1 hemizygote.

Literature cited by the submitters: PubMed 25214167 (cited by Labcorp Genetics (formerly Invitae), Labcorp).

NM_004006.3(DMD):c.352T>C (p.Trp118Arg)

Gene: DMD (dystrophin; minus strand). Cytogenetic location: Xp21.1.
Variant type: single nucleotide variant.
Coding change: c.352T>C on transcript NM_004006.3 (MANE Select); coding-DNA position 352, T replaced by C.
Protein change: p.Trp118Arg; replaces tryptophan 118 with arginine.
Molecular consequence: missense variant. On other transcripts: 5 prime UTR variant (1).
Genome position (GRCh38, 1-based): chrX:32,823,300, A>G on the plus strand (T>C on the coding strand, the complement: DMD is on the minus strand). VCF-style: chrX-32823300-A-G. GRCh37 (hg19) VCF-style: chrX-32841417-A-G.
Other names: c.328T>C, p.Trp110Arg (NM_000109.4); c.340T>C, p.Trp114Arg (NM_004009.3); c.-18T>C (NM_004010.3); short protein forms W118R, W110R, W114R.
Identifiers: ClinVar variation 290923 (VCV000290923.13), dbSNP rs886044589, ClinGen allele CA10606945.